The following is an entry in ClinVar:

ClinVar aggregate classification (germline): Conflicting classifications of pathogenicity. Review status: criteria provided, conflicting classifications (1 of 4 stars). 10 submissions from 10 submitters: Pathogenic (3); Likely pathogenic (4); Uncertain significance (2). 1 of the submissions does not count toward it. Last evaluated 2026-10-13.

Conditions:
SAMD9L-related disorder. Also called: SAMD9L-related disorders; SAMD9L-related condition.
Inborn genetic diseases. Identifiers: MedGen C0950123, MeSH D030342.
Spinocerebellar ataxia 49 (SCA49). Identifiers: Orphanet 631106, MedGen C5676950, MONDO:0030805, OMIM 619806.
Monosomy 7 myelodysplasia and leukemia syndrome 1. Also called: CHROMOSOME 7q DELETION; Familial Mosaic Monosomy 7 Syndrome; Monosomy 7 of bone marrow. Identifiers: MedGen C1854978, MONDO:0009646, OMIM 252270.
Ataxia-pancytopenia syndrome (ATXPC). Also called: SAMD9L Ataxia-Pancytopenia Syndrome; SAMD9L-Related Syndrome. Identifiers: Orphanet 2585, MedGen C1327919, MONDO:0008038, OMIM 159550.

Submissions (10):

GeneDx
Classification: Pathogenic. Last evaluated: 2026-10-13. Review status: criteria provided, single submitter. Criteria: GeneDx Variant Classification Process June 2021. Collection method: clinical testing. Allele origin: germline.
Comment: Published functional studies demonstrate a damaging effect: in vivo zebrafish studies show that S626L impairs mobility and sensory function and colocalization with mitochondria (PMID: 35310830); In silico analysis suggests that this missense variant does not alter protein structure/function; Not observed at significant frequency in large population cohorts (gnomAD); This variant is associated with the following publications: (PMID: 32770553, 29146900, 30322869, 36074606, 39725709, 39475954, 39514912, 37887032, 35310830, 31306780)

Dasa
Classification: Likely pathogenic. Last evaluated: 2026-01-21. Review status: criteria provided, single submitter. Criteria: DASA Assertion Criteria. Collection method: clinical testing. Allele origin: germline.
Comment: NM_152703.5(SAMD9L):c.1877C>T (p.Ser626Leu) is a missense variant that results in the substitution of serine with leucine. This variant has been reported in individuals with SAMD9L-related disorders (PMID: 35310830). Segregation data support an association with disease in the reported family/families (PMID: 35310830). Functional evidence supports an impact on the gene or gene product (PMID: 35310830; PMID: 29146900; PMID: 30322869; PMID: 31892348). Also, this variant is absent from population databases. Based on the currently available evidence, this variant is classified as likely pathogenic.

Department of Molecular Genetics, Istishari Arab Hospital
Classification: Likely pathogenic for Monosomy 7 myelodysplasia and leukemia syndrome 1. Last evaluated: 2025-11-27. Review status: criteria provided, single submitter. Criteria: ACMG Guidelines, 2015. Collection method: clinical testing. Allele origin: germline. Inheritance: Autosomal dominant inheritance. Affected: yes.
Comment: The SAMD9L variant c.1877C>T, p.Ser626Leu creates an amino acid change from Ser to Leu at position 626. This variant is not observed in the gnomAD v4.1.0 dataset. This variant was previously reported in patients with myelodysplasia (PMID: 35310830). ClinVar lists this variant with interpretation (Pathogenic (2); Uncertain significance (2)). It is classified as likely pathogenic (class 2) according to the recommendations of ACMG/AMP/ClinGen SVI guidelines.

3billion
Classification: Likely pathogenic for Monosomy 7 myelodysplasia and leukemia syndrome 1. Last evaluated: 2025-11-20. Review status: criteria provided, single submitter. Criteria: ACMG Guidelines, 2015. Collection method: clinical testing. Allele origin: germline. Affected: yes.
Comment: The variant is not observed in the gnomAD v4.1.0 dataset. Predicted Consequence/Location: Missense variant. Missense changes are a common disease-causing mechanism. In silico tool predictions suggest no damaging effect of the variant on gene or gene product [REVEL: 0.09 (<0.4); 3Cnet: 0.00 (<0.1, specificity 0.84 and negative predicitive value 0.97)]. The same nucleotide change resulting in the same amino acid change has been previously reported to be associated with SAMD9L-related disorder (ClinVar ID: VCV000432926). However, the evidence of pathogenicity is insufficient at this time. The variant has been observed in at least two similarly affected unrelated individuals (PMID: 29146900). Therefore, this variant is classified as Likely pathogenic according to the recommendation of ACMG/AMP guideline.

PreventionGenetics, part of Exact Sciences
Classification: Likely pathogenic for SAMD9L-related condition. Last evaluated: 2025-05-23. Review status: criteria provided, single submitter. Criteria: ACMG Guidelines, 2015. Collection method: clinical testing. Allele origin: germline.
Comment: The SAMD9L c.1877C>T variant is predicted to result in the amino acid substitution p.Ser626Leu. This variant has been reported in two related pediatric patients with Myelodysplastic syndrome (MDS) and with loss of heterozygosity on chromosome 7 in transformed cells (Schwartz et al. 2017. PubMed ID: 29146900). Functional studies in Schwartz et al. suggest that this variant results in a gain of SAMD9L protein function and leading to decreased cell proliferation. This variant has also been reported in a family with multiple individuals with spinocerebellar ataxia, and function study showed that this variant decreased levels of SAMD9L (Corral-Juan et al. 2022. PubMed ID: 35310830). This variant has not been reported in a large population database, indicating this variant is rare. This variant is interpreted as likely pathogenic.

Labcorp Genetics (formerly Invitae), Labcorp
Classification: Pathogenic. Last evaluated: 2025-03-24. Review status: criteria provided, single submitter. Criteria: Invitae Variant Classification Sherloc (09022015). Collection method: clinical testing. Allele origin: germline.
Comment: This sequence change replaces serine, which is neutral and polar, with leucine, which is neutral and non-polar, at codon 626 of the SAMD9L protein (p.Ser626Leu). This variant is not present in population databases (gnomAD no frequency). This missense change has been observed in individual(s) with SAMD9L-related conditions (PMID: 29146900, 35310830). It has also been observed to segregate with disease in related individuals. ClinVar contains an entry for this variant (Variation ID: 432926). Invitae Evidence Modeling of protein sequence and biophysical properties (such as structural, functional, and spatial information, amino acid conservation, physicochemical variation, residue mobility, and thermodynamic stability) indicates that this missense variant is not expected to disrupt SAMD9L protein function with a negative predictive value of 80%. Experimental studies have shown that this missense change affects SAMD9L function (PMID: 29146900, 35310830). For these reasons, this variant has been classified as Pathogenic.

St. Jude Molecular Pathology, St. Jude Children's Research Hospital
Classification: Pathogenic for Ataxia-pancytopenia syndrome. Last evaluated: 2024-06-27. Review status: criteria provided, single submitter. Criteria: St. Jude Assertion Criteria 2020. Collection method: clinical testing. Allele origin: germline. Affected: yes.
Comment: The SAMD9L c.1877C>T (p.Ser626Leu) missense change is absent in gnomAD v2.1.1. The in silico tool REVEL predicts a benign effect on protein function, however, functional studies suggest the variant has a damaging effect on protein function (PMID: 29146900). This variant has been reported in individuals with myelodysplasia and ataxia (PMID: 29146900, 35310830, internal data) and was found to segregate with disease. In summary, this variant meets criteria to be classified as pathogenic.

Blueprint Genetics
Classification: Uncertain significance. Last evaluated: 2021-04-26. Review status: criteria provided, single submitter. Criteria: ACMG Guidelines, 2015. Collection method: clinical testing. Allele origin: germline.

Ambry Genetics
Classification: Uncertain significance for Inborn genetic diseases. Last evaluated: 2019-11-25. Review status: criteria provided, single submitter. Criteria: Ambry exome assertion method (8-5-2015). Collection method: clinical testing. Allele origin: germline. Affected: yes. Observed: 1 variant allele.

OMIM
Classification: Pathogenic for SPINOCEREBELLAR ATAXIA 49 (1 family). Last evaluated: 2022-07-27. Review status: no assertion criteria provided. Collection method: literature only. Allele origin: germline. Not counted in ClinVar's aggregate classification.

Literature cited by the submitters: PubMed 35310830 (cited by 4 submitters); PubMed 29146900 (cited by 5 submitters); PubMed 30322869 (cited by Dasa); PubMed 31892348 (cited by Dasa).

NM_152703.5(SAMD9L):c.1877C>T (p.Ser626Leu)

Gene: SAMD9L (sterile alpha motif domain containing 9 like; minus strand). Cytogenetic location: 7q21.2.
Variant type: single nucleotide variant.
Coding change: c.1877C>T on transcript NM_152703.5 (MANE Select); coding-DNA position 1877, C replaced by T.
Protein change: p.Ser626Leu; replaces serine 626 with leucine.
Molecular consequence: missense variant.
Genome position (GRCh38, 1-based): chr7:93,134,095, G>A on the plus strand (C>T on the coding strand, the complement: SAMD9L is on the minus strand). VCF-style: chr7-93134095-G-A. GRCh37 (hg19) VCF-style: chr7-92763408-G-A.
Other names: SAMD9L, SER626LEU (rs1554341671); p.Ser626Leu; c.1877C>T, p.Ser626Leu (NM_001350085.2, NM_001303496.3, NM_001303497.3 and 5 more transcripts); c.1877C>T (NM_001303497.1); short protein forms S626L.
Identifiers: ClinVar variation 432926 (VCV000432926.27), dbSNP rs1554341671, ClinGen allele CA368194207.